The following is an entry in ClinVar:

ClinVar aggregate classification (germline): Likely benign (0 of 4 stars; one submission).

Conditions:
RTN4R-related disorder. Also called: RTN4R-related condition.

Allele frequency attached by ClinVar (database versions not stated): gnomAD exomes 0.00003; ExAC 0.00010; gnomAD 0.00020; TOPMed 0.00023; ESP Exome Variant Server 0.00038; 1000 Genomes Project 30x 0.00109; 1000 Genomes Project 0.00140.
gnomAD v4.1: 77 of 1,612,930 alleles (0.0048%); highest among the groups gnomAD compares: African/African-American, 0.073%; 1 homozygote.

Submission:

PreventionGenetics, part of Exact Sciences
Classification: Likely benign for RTN4R-related condition. Last evaluated: 2019-08-13. Review status: no assertion criteria provided. Collection method: clinical testing. Allele origin: germline.
Comment: This variant is classified as likely benign based on ACMG/AMP sequence variant interpretation guidelines (Richards et al. 2015 PMID: 25741868, with internal and published modifications).

NM_023004.6(RTN4R):c.339C>T (p.Ser113=)

Gene: RTN4R (reticulon 4 receptor; minus strand). Cytogenetic location: 22q11.21.
Variant type: single nucleotide variant.
Coding change: c.339C>T on transcript NM_023004.6 (MANE Select); coding-DNA position 339, C replaced by T.
Protein change: p.Ser113=; no amino-acid change (serine 113 retained).
Molecular consequence: synonymous variant.
Genome position (GRCh38, 1-based): chr22:20,242,794, G>A on the plus strand (C>T on the coding strand, the complement: RTN4R is on the minus strand). VCF-style: chr22-20242794-G-A. GRCh37 (hg19) VCF-style: chr22-20230317-G-A.
Identifiers: ClinVar variation 3035729 (VCV003035729.2), dbSNP rs149052299, ClinGen allele CA10109609.
Genomic context (GRCh38, chr22:20,242,794, plus strand): 5'-GTGTAGGCGGCCCAGGCCGTGGAATGTGGCAGGGTCCACAGACCGGAGCTGTGCATTATC[G>A]CTGAGGTCCAGCTGCTCCAGGAGGGCCAGGCCAGTGAAGGCAGCCGCATCAATTCGGGCC-3'
Protein context (NP_075380.1, residues 103-123): GLALLEQLDL[Ser113=]DNAQLRSVDP